The following is an entry in ClinVar:

NM_004415.4(DSP):c.3485A>C (p.Lys1162Thr)

Gene: DSP (desmoplakin; plus strand). Cytogenetic location: 6p24.3.
Variant type: single nucleotide variant.
Coding change: c.3485A>C on transcript NM_004415.4 (MANE Select); coding-DNA position 3485, A replaced by C.
Protein change: p.Lys1162Thr; replaces lysine 1162 with threonine.
Molecular consequence: missense variant.
Genome position (GRCh38, 1-based): chr6:7,579,675, A>C. VCF-style: chr6-7579675-A-C. GRCh37 (hg19) VCF-style: chr6-7579908-A-C.
Other names: c.3485A>C, p.Lys1162Thr (NM_001008844.3, NM_001319034.2); short protein forms K1162T.
Identifiers: ClinVar variation 1951349 (VCV001951349.6), dbSNP rs2533923911, ClinGen allele CA362684168.
Genomic context (GRCh38, chr6:7,579,675, plus strand): 5'-TGCAGAAAGCAAGGCAATGTGAAAAGGAGAACCTTGGTTGGCAGAAATTAGAGTCTGAGA[A>C]AGCCATCAAGGAGAAGGAGTACGAGATTGAAAGGTTGAGGGTTCTACTGCAGGAAGAAGG-3'
Protein context (NP_004406.2, residues 1152-1172): NLGWQKLESE[Lys1162Thr]AIKEKEYEIE

ClinVar aggregate classification (germline): Uncertain significance. Review status: criteria provided, multiple submitters, no conflicts (2 of 4 stars). 2 submissions from 2 submitters: Uncertain significance (2). Last evaluated 2025-02-03.

Conditions:
Cardiovascular phenotype. Identifiers: MedGen CN230736.
Arrhythmogenic right ventricular dysplasia 8 (ARVD8). Also called: ARRHYTHMOGENIC RIGHT VENTRICULAR DYSPLASIA, FAMILIAL, 8; ARRHYTHMOGENIC RIGHT VENTRICULAR CARDIOMYOPATHY 8; Arrhythmogenic Right Ventricular Dysplasia/Cardiomyopathy 8. Identifiers: MedGen C1843896, MONDO:0011831, OMIM 607450.
Arrhythmogenic cardiomyopathy with wooly hair and keratoderma. Also called: Dilated cardiomyopathy with woolly hair and keratoderma; Arrhythmogenic cardiomyopathy with woolly hair and keratoderma; PALMOPLANTAR KERATODERMA WITH LEFT VENTRICULAR CARDIOMYOPATHY AND WOOLLY HAIR; Carvajal syndrome. Identifiers: Orphanet 65282, MedGen C1854063, MONDO:0011581, OMIM 605676.

Submissions (2):

Ambry Genetics
Classification: Uncertain significance for Cardiovascular phenotype. Last evaluated: 2025-02-03. Review status: criteria provided, single submitter. Criteria: Ambry Variant Classification Scheme 2023. Collection method: clinical testing. Allele origin: germline.

Labcorp Genetics (formerly Invitae), Labcorp
Classification: Uncertain significance for Arrhythmogenic cardiomyopathy with wooly hair and keratoderma; Arrhythmogenic right ventricular dysplasia 8. Last evaluated: 2024-10-31. Review status: criteria provided, single submitter. Criteria: Invitae Variant Classification Sherloc (09022015). Collection method: clinical testing. Allele origin: germline.
Comment: This sequence change replaces lysine, which is basic and polar, with threonine, which is neutral and polar, at codon 1162 of the DSP protein (p.Lys1162Thr). This variant is not present in population databases (gnomAD no frequency). This variant has not been reported in the literature in individuals affected with DSP-related conditions. ClinVar contains an entry for this variant (Variation ID: 1951349). An algorithm developed to predict the effect of missense changes on protein structure and function (PolyPhen-2) suggests that this variant is likely to be disruptive. In summary, the available evidence is currently insufficient to determine the role of this variant in disease. Therefore, it has been classified as a Variant of Uncertain Significance.